The following is an entry in ClinVar:

NC_000007.13:g.(?_42088070)_(42088315_?)del

Gene: GLI3 (GLI family zinc finger 3; minus strand). Cytogenetic location: 7p14.1.
Variant type: Deletion.
Identifiers: ClinVar variation 2422505 (VCV002422505.4).

ClinVar aggregate classification (germline): Pathogenic (1 of 4 stars; one submission).

Conditions:
Greig cephalopolysyndactyly syndrome (GCPS). Also called: POLYSYNDACTYLY WITH PECULIAR SKULL SHAPE; Greig syndrome; GLI3-Related Greig Cephalopolysyndactyly Syndrome. Identifiers: Orphanet 380, MedGen C0265306, MONDO:0008287, OMIM 175700.
Pallister-Hall syndrome (PHS). Also called: HYPOTHALAMIC HAMARTOBLASTOMA, HYPOPITUITARISM, IMPERFORATE ANUS, AND POSTAXIAL POLYDACTYLY; GLI3-Related Pallister-Hall Syndrome. Identifiers: Orphanet 672, MedGen C0265220, MONDO:0007804, OMIM 146510.

Submission:

Labcorp Genetics (formerly Invitae), Labcorp
Classification: Pathogenic for Pallister-Hall syndrome; Greig cephalopolysyndactyly syndrome. Last evaluated: 2022-11-22. Review status: criteria provided, single submitter. Criteria: Invitae Variant Classification Sherloc (09022015). Collection method: clinical testing. Allele origin: germline.
Comment: For these reasons, this variant has been classified as Pathogenic. This variant has not been reported in the literature in individuals affected with GLI3-related conditions. This variant is a gross deletion of the genomic region encompassing exon(s) 5 of the GLI3 gene. This deletion is out-of-frame, and is expected to create a premature termination codon and result in an absent or disrupted protein product. Loss-of-function variants in GLI3 are known to be pathogenic (PMID: 10441570, 15739154, 18000979, 24736735).

Literature cited by the submitters: PubMed 10441570; PubMed 15739154; PubMed 18000979; PubMed 24736735.